The following is an entry in ClinVar:

ClinVar aggregate classification (germline): Uncertain significance (1 of 4 stars; one submission).

Submission:

Labcorp Genetics (formerly Invitae), Labcorp
Classification: Uncertain significance. Last evaluated: 2022-10-10. Review status: criteria provided, single submitter. Criteria: Invitae Variant Classification Sherloc (09022015). Collection method: clinical testing. Allele origin: germline.
Comment: This sequence change replaces asparagine, which is neutral and polar, with aspartic acid, which is acidic and polar, at codon 562 of the CTNNA1 protein (p.Asn562Asp). This variant is not present in population databases (gnomAD no frequency). This variant has not been reported in the literature in individuals affected with CTNNA1-related conditions. Advanced modeling of protein sequence and biophysical properties (such as structural, functional, and spatial information, amino acid conservation, physicochemical variation, residue mobility, and thermodynamic stability) has been performed at Invitae for this missense variant, however the output from this modeling did not meet the statistical confidence thresholds required to predict the impact of this variant on CTNNA1 protein function. In summary, the available evidence is currently insufficient to determine the role of this variant in disease. Therefore, it has been classified as a Variant of Uncertain Significance.

NM_001903.5(CTNNA1):c.1684A>G (p.Asn562Asp)

Gene: CTNNA1 (catenin alpha 1; plus strand). Cytogenetic location: 5q31.2.
Variant type: single nucleotide variant.
Coding change: c.1684A>G on transcript NM_001903.5 (MANE Select); coding-DNA position 1684, A replaced by G.
Protein change: p.Asn562Asp; replaces asparagine 562 with aspartic acid.
Molecular consequence: missense variant.
Genome position (GRCh38, 1-based): chr5:138,924,647, A>G. VCF-style: chr5-138924647-A-G. GRCh37 (hg19) VCF-style: chr5-138260336-A-G.
Other names: c.1684A>G, p.Asn562Asp (NM_001323985.2, NM_001290307.3, NM_001323982.2 and 2 more transcripts); c.1591A>G, p.Asn531Asp (NM_001323986.2); c.574A>G, p.Asn192Asp (NM_001323987.1, NM_001323988.1, NM_001323989.1 and 17 more transcripts); c.235A>G, p.Asn79Asp (NM_001324006.1, NM_001324007.1, NM_001324008.1 and 2 more transcripts); c.481A>G, p.Asn161Asp (NM_001324011.1); c.331A>G, p.Asn111Asp (NM_001324012.1, NM_001324013.1); c.1375A>G, p.Asn459Asp (NM_001290309.3); c.1315A>G, p.Asn439Asp (NM_001290310.3); short protein forms N111D, N161D, N192D, N439D, N459D, N531D, N562D, N79D.
Identifiers: ClinVar variation 1721365 (VCV001721365.5), dbSNP rs779256563, ClinGen allele CA361131968.